The following is an entry in ClinVar:

ClinVar aggregate classification (germline): Uncertain significance. Review status: criteria provided, multiple submitters, no conflicts (2 of 4 stars). 2 submissions from 2 submitters: Uncertain significance (2). Last evaluated 2024-08-13.

Conditions:
Wilson disease (WND). Also called: Wilson's disease. Identifiers: Orphanet 905, MedGen C0019202, MONDO:0010200, OMIM 277900. Disease mechanism: loss of function.

gnomAD v4.1: 11 of 1,614,084 alleles (0.00068%); highest among the groups gnomAD compares: Non-Finnish European, 0.00093%; no homozygotes.

Submissions (2):

All of Us Research Program, National Institutes of Health
Classification: Uncertain significance for Wilson disease. Last evaluated: 2024-08-13. Review status: criteria provided, single submitter. Criteria: ACMG Guidelines, 2015. Collection method: clinical testing. Allele origin: germline. Inheritance: Autosomal recessive inheritance. Observed: 1 variant allele, 1 heterozygote.
Comment: This missense variant replaces isoleucine with valine at codon 967 of the ATP7B protein. Computational prediction suggests that this variant may not impact protein structure and function. To our knowledge, functional studies have not been reported for this variant. This variant has not been reported in individuals affected with ATP7B-related disorders in the literature. This variant has been identified in 1/249476 chromosomes in the general population by the Genome Aggregation Database (gnomAD). The available evidence is insufficient to determine the role of this variant in disease conclusively. Therefore, this variant is classified as a Variant of Uncertain Significance.

This study involves interpretation of variants in research participants for the purpose of population health screening. Participant phenotype was not available at the time of variant classification. Additional details can be found in publication PMID: 35346344, PMCID: PMC8962531

Color Diagnostics, LLC DBA Color Health
Classification: Uncertain significance for Wilson disease. Last evaluated: 2024-07-24. Review status: criteria provided, single submitter. Criteria: ACMG Guidelines, 2015. Collection method: clinical testing. Allele origin: germline.
Comment: This missense variant replaces isoleucine with valine at codon 967 of the ATP7B protein. Computational prediction suggests that this variant may not impact protein structure and function. To our knowledge, functional studies have not been reported for this variant. This variant has not been reported in individuals affected with ATP7B-related disorders in the literature. This variant has been identified in 1/249476 chromosomes in the general population by the Genome Aggregation Database (gnomAD). The available evidence is insufficient to determine the role of this variant in disease conclusively. Therefore, this variant is classified as a Variant of Uncertain Significance.

NM_000053.4(ATP7B):c.2899A>G (p.Ile967Val)

Gene: ATP7B (ATPase copper transporting beta; minus strand). Cytogenetic location: 13q14.3.
Variant type: single nucleotide variant.
Coding change: c.2899A>G on transcript NM_000053.4 (MANE Select); coding-DNA position 2899, A replaced by G.
Protein change: p.Ile967Val; replaces isoleucine 967 with valine.
Molecular consequence: missense variant. On other transcripts: intron variant (6).
Genome position (GRCh38, 1-based): chr13:51,946,445, T>C on the plus strand (A>G on the coding strand, the complement: ATP7B is on the minus strand). VCF-style: chr13-51946445-T-C. GRCh37 (hg19) VCF-style: chr13-52520581-T-C.
Other names: c.2665A>G, p.Ile889Val (NM_001406528.1, NM_001406527.1, NM_001406538.1 and 1 more transcripts); c.2659A>G, p.Ile887Val (NM_001406530.1); c.2647A>G, p.Ile883Val (NM_001406531.1, NM_001406532.1, NM_001330579.2); c.2845A>G, p.Ile949Val (NM_001406516.1, NM_001406515.1); c.2803A>G, p.Ile935Val (NM_001406517.1, NM_001406518.1); c.2764A>G, p.Ile922Val (NM_001406519.1); c.2755A>G, p.Ile919Val (NM_001406520.1, NM_001406521.1, NM_001406522.1); c.2899A>G, p.Ile967Val (NM_001406523.1, NM_001406526.1, NM_001406511.1 and 2 more transcripts); and 18 more; short protein forms I537V, I751V, I760V, I773V, I805V, I824V, I851V, I856V.
Identifiers: ClinVar variation 3387580 (VCV003387580.2).